The following is an entry in ClinVar:

ClinVar aggregate classification (germline): Conflicting classifications of pathogenicity. Review status: criteria provided, conflicting classifications (1 of 4 stars). 2 submissions from 2 submitters: Uncertain significance (1); Likely benign (1). Last evaluated 2026-06-22.

Conditions:
Multiple endocrine neoplasia, type 2 (MEN2). Identifiers: Orphanet 653, MedGen C4048306, MONDO:0019003. Disease mechanism: gain of function.
Hereditary cancer-predisposing syndrome. Also called: Hereditary neoplastic syndrome; Neoplastic Syndromes, Hereditary; Tumor predisposition; Hereditary Cancer Syndrome. Identifiers: Orphanet 140162, MedGen C0027672, MeSH D009386, MONDO:0015356.

Submissions (2):

Ambry Genetics
Classification: Likely benign for Hereditary cancer-predisposing syndrome. Last evaluated: 2026-06-22. Review status: criteria provided, single submitter. Criteria: Ambry Variant Classification Scheme 2023. Collection method: clinical testing. Allele origin: germline.

Labcorp Genetics (formerly Invitae), Labcorp
Classification: Uncertain significance for Multiple endocrine neoplasia, type 2. Last evaluated: 2022-06-19. Review status: criteria provided, single submitter. Criteria: Invitae Variant Classification Sherloc (09022015). Collection method: clinical testing. Allele origin: germline.
Comment: This sequence change replaces serine, which is neutral and polar, with alanine, which is neutral and non-polar, at codon 1026 of the RET protein (p.Ser1026Ala). In summary, the available evidence is currently insufficient to determine the role of this variant in disease. Therefore, it has been classified as a Variant of Uncertain Significance. Algorithms developed to predict the effect of missense changes on protein structure and function output the following: SIFT: "Tolerated"; PolyPhen-2: "Benign"; Align-GVGD: "Class C0". The alanine amino acid residue is found in multiple mammalian species, which suggests that this missense change does not adversely affect protein function. This variant has not been reported in the literature in individuals affected with RET-related conditions. This variant is not present in population databases (gnomAD no frequency).

NM_020975.6(RET):c.3076T>G (p.Ser1026Ala)

Gene: RET (ret proto-oncogene; plus strand). Cytogenetic location: 10q11.21.
Variant type: single nucleotide variant.
Coding change: c.3076T>G on transcript NM_020975.6 (MANE Select); coding-DNA position 3076, T replaced by G.
Protein change: p.Ser1026Ala; replaces serine 1026 with alanine.
Molecular consequence: missense variant.
Genome position (GRCh38, 1-based): chr10:43,126,611, T>G. VCF-style: chr10-43126611-T-G. GRCh37 (hg19) VCF-style: chr10-43622059-T-G.
Other names: c.3076T>G, p.Ser1026Ala (NM_000323.2, NM_001406743.1, NM_001406744.1 and 4 more transcripts); c.2314T>G, p.Ser772Ala (NM_001355216.2); c.2788T>G, p.Ser930Ala (NM_001406770.1, NM_001406766.1, NM_001406767.1); c.2638T>G, p.Ser880Ala (NM_001406771.1, NM_001406773.1); c.2680T>G, p.Ser894Ala (NM_001406772.1, NM_001406769.1); c.2551T>G, p.Ser851Ala (NM_001406774.1); c.2350T>G, p.Ser784Ala (NM_001406775.1, NM_001406776.1, NM_001406777.1 and 1 more transcripts); c.1891T>G, p.Ser631Ala (NM_001406789.1, NM_001406790.1, NM_001406788.1); and 10 more; short protein forms S591A, S631A, S682A, S687A, S851A, S880A, S938A, S1026A.
Identifiers: ClinVar variation 2008564 (VCV002008564.5), dbSNP rs1588880990, ClinGen allele CA376558340.
Genomic context (GRCh38, chr10:43,126,611, plus strand): 5'-TGACCGGCCATCTCTGTCTTCCAGGACTACTTGGACCTTGCGGCGTCCACTCCATCTGAC[T>G]CCCTGATTTATGACGACGGCCTCTCAGAGGAGGAGACACCGCTGGTGGACTGTAATAATG-3'
Protein context (NP_066124.1, residues 1016-1036): LDLAASTPSD[Ser1026Ala]LIYDDGLSEE